The following is an entry in ClinVar:

NM_000548.5(TSC2):c.1362-5C>G

Gene: TSC2 (TSC complex subunit 2; plus strand). Cytogenetic location: 16p13.3.
Variant type: single nucleotide variant.
Coding change: c.1362-5C>G on transcript NM_000548.5 (MANE Select); 5 bases into the intron before coding-DNA position 1362, C replaced by G.
Molecular consequence: intron variant.
Genome position (GRCh38, 1-based): chr16:2,062,967, C>G. VCF-style: chr16-2062967-C-G. GRCh37 (hg19) VCF-style: chr16-2112968-C-G.
Other names: c.1362-5C>G (NM_001114382.3, NM_021055.3, NM_001370405.1 and 3 more transcripts); c.1251-5C>G (NM_001318827.2); c.762-5C>G (NM_001318831.2); c.1215-5C>G (NM_001318829.2); c.1395-5C>G (NM_001318832.2).
Identifiers: ClinVar variation 535993 (VCV000535993.9), dbSNP rs372424945, ClinGen allele CA658798470.

ClinVar aggregate classification (germline): Uncertain significance (1 of 4 stars; one submission).

Conditions:
Tuberous sclerosis 2 (TSC2). Identifiers: Orphanet 805, MedGen C1860707, MONDO:0013199, OMIM 613254.

Submission:

Labcorp Genetics (formerly Invitae), Labcorp
Classification: Uncertain significance for Tuberous sclerosis 2. Last evaluated: 2024-02-26. Review status: criteria provided, single submitter. Criteria: Invitae Variant Classification Sherloc (09022015). Collection method: clinical testing. Allele origin: germline.
Comment: This sequence change falls in intron 13 of the TSC2 gene. It does not directly change the encoded amino acid sequence of the TSC2 protein. This variant is not present in population databases (gnomAD no frequency). This variant has not been reported in the literature in individuals affected with TSC2-related conditions. ClinVar contains an entry for this variant (Variation ID: 535993). Algorithms developed to predict the effect of sequence changes on RNA splicing suggest that this variant may disrupt the consensus splice site. In summary, the available evidence is currently insufficient to determine the role of this variant in disease. Therefore, it has been classified as a Variant of Uncertain Significance.